The following is an entry in ClinVar:

NM_001378454.1(ALMS1):c.5843G>T (p.Ser1948Ile)

Gene: ALMS1 (ALMS1 centrosome and basal body associated protein; plus strand). Cytogenetic location: 2p13.1.
Variant type: single nucleotide variant.
Coding change: c.5843G>T on transcript NM_001378454.1 (MANE Select); coding-DNA position 5843, G replaced by T.
Protein change: p.Ser1948Ile; replaces serine 1948 with isoleucine.
Molecular consequence: missense variant.
Genome position (GRCh38, 1-based): chr2:73,452,370, G>T. VCF-style: chr2-73452370-G-T. GRCh37 (hg19) VCF-style: chr2-73679497-G-T.
Other names: c.5846G>T, p.Ser1949Ile (NM_015120.4); short protein forms S1949I, S1948I.
Identifiers: ClinVar variation 854517 (VCV000854517.6), dbSNP rs1300252739, ClinGen allele CA347283506.

ClinVar aggregate classification (germline): Uncertain significance (1 of 4 stars; one submission).

Conditions:
Alstrom syndrome (ALMS). Identifiers: Orphanet 64, MedGen C0268425, MONDO:0008763, OMIM 203800.

Allele frequency attached by ClinVar (database versions not stated): gnomAD exomes below 0.00001; TOPMed below 0.00001.
gnomAD v4.1: 3 of 1,613,786 alleles (0.00019%); highest among the groups gnomAD compares: Non-Finnish European, 0.00025%; no homozygotes.

Submission:

Labcorp Genetics (formerly Invitae), Labcorp
Classification: Uncertain significance for Alstrom syndrome. Last evaluated: 2022-07-06. Review status: criteria provided, single submitter. Criteria: Invitae Variant Classification Sherloc (09022015). Collection method: clinical testing. Allele origin: germline.
Comment: This sequence change replaces serine, which is neutral and polar, with isoleucine, which is neutral and non-polar, at codon 1949 of the ALMS1 protein (p.Ser1949Ile). This variant is present in population databases (no rsID available, gnomAD 0.0009%). This variant has not been reported in the literature in individuals affected with ALMS1-related conditions. ClinVar contains an entry for this variant (Variation ID: 854517). Algorithms developed to predict the effect of missense changes on protein structure and function output the following: SIFT: "Not Available"; PolyPhen-2: "Not Available"; Align-GVGD: "Not Available". The isoleucine amino acid residue is found in multiple mammalian species, which suggests that this missense change does not adversely affect protein function. In summary, the available evidence is currently insufficient to determine the role of this variant in disease. Therefore, it has been classified as a Variant of Uncertain Significance.